The following is an entry in ClinVar:

ClinVar aggregate classification (germline): Uncertain significance (1 of 4 stars; one submission).

Allele frequency attached by ClinVar (database versions not stated): gnomAD exomes below 0.00001 and 0.00001; ExAC 0.00001.
gnomAD v4.1: 10 of 1,603,220 alleles (0.00062%); highest among the groups gnomAD compares: South Asian, 0.0011%; no homozygotes.

Submission:

Labcorp Genetics (formerly Invitae), Labcorp
Classification: Uncertain significance. Last evaluated: 2024-09-15. Review status: criteria provided, single submitter. Criteria: Invitae Variant Classification Sherloc (09022015). Collection method: clinical testing. Allele origin: germline.
Comment: This sequence change falls in intron 5 of the PPP1CB gene. It does not directly change the encoded amino acid sequence of the PPP1CB protein. It affects a nucleotide within the consensus splice site. This variant is present in population databases (rs765526543, gnomAD 0.003%). This variant has not been reported in the literature in individuals affected with PPP1CB-related conditions. ClinVar contains an entry for this variant (Variation ID: 1363463). Variants that disrupt the consensus splice site are a relatively common cause of aberrant splicing (PMID: 17576681, 9536098). Algorithms developed to predict the effect of sequence changes on RNA splicing suggest that this variant is not likely to affect RNA splicing. In summary, the available evidence is currently insufficient to determine the role of this variant in disease. Therefore, it has been classified as a Variant of Uncertain Significance.

Literature cited by the submitters: PubMed 17576681; PubMed 9536098.

NM_002709.3(PPP1CB):c.520+4G>A

Gene: PPP1CB (protein phosphatase 1 catalytic subunit beta; plus strand). Cytogenetic location: 2p23.2.
Variant type: single nucleotide variant.
Coding change: c.520+4G>A on transcript NM_002709.3 (MANE Select); 4 bases into the intron after coding-DNA position 520, G replaced by A.
Molecular consequence: intron variant.
Genome position (GRCh38, 1-based): chr2:28,781,846, G>A. VCF-style: chr2-28781846-G-A. GRCh37 (hg19) VCF-style: chr2-29004712-G-A.
Other names: c.520+4G>A (NM_206876.2).
Identifiers: ClinVar variation 1363463 (VCV001363463.6), dbSNP rs765526543, ClinGen allele CA1589231.